The following is an entry in ClinVar:

ClinVar aggregate classification (germline): Uncertain significance. Review status: criteria provided, multiple submitters, no conflicts (2 of 4 stars). 4 submissions from 4 submitters: Uncertain significance (4). Last evaluated 2025-03-26.

Conditions:
Colorectal cancer, hereditary nonpolyposis, type 7. Identifiers: Orphanet 144, MedGen C1858380, MONDO:0013725, OMIM 614385.
Colorectal cancer. Also called: Malignant Colorectal Neoplasm; Colorectal cancer, somatic. Identifiers: MedGen C0346629, MONDO:0005575, OMIM 114500.
Endometrial carcinoma. Also called: Endometrial carcinoma, somatic. Identifiers: MedGen C0476089, MONDO:0002447, OMIM 608089, HP:0012114.

Allele frequency attached by ClinVar (database versions not stated): ESP Exome Variant Server 0.00008; gnomAD exomes 0.00001 and 0.00002; ExAC 0.00003; gnomAD 0.00014 and 0.00012; TOPMed 0.00014.
gnomAD v4.1: 36 of 1,614,040 alleles (0.0022%); highest among the groups gnomAD compares: African/African-American, 0.039%; no homozygotes.

Submissions (4):

Dasa
Classification: Uncertain significance. Last evaluated: 2025-03-26. Review status: criteria provided, single submitter. Criteria: DASA Assertion Criteria. Collection method: clinical testing. Allele origin: germline.
Comment: NM_001040108.2(MLH3):c.2327A>T (p.Asn776Ile) is a missense variant that results in the substitution of asparagine with isoleucine. This variant is rare in population databases. Computational prediction algorithms are consistent with a benign effect. The currently available literature and clinical evidence are not sufficient to establish a definitive association between this variant and the reported condition. Therefore, this variant is classified as a variant of uncertain significance.

Labcorp Genetics (formerly Invitae), Labcorp
Classification: Uncertain significance for Colorectal cancer, hereditary nonpolyposis, type 7. Last evaluated: 2024-10-18. Review status: criteria provided, single submitter. Criteria: Invitae Variant Classification Sherloc (09022015). Collection method: clinical testing. Allele origin: germline.
Comment: This sequence change replaces asparagine, which is neutral and polar, with isoleucine, which is neutral and non-polar, at codon 776 of the MLH3 protein (p.Asn776Ile). This variant is present in population databases (rs150742442, gnomAD 0.05%), and has an allele count higher than expected for a pathogenic variant. This variant has not been reported in the literature in individuals affected with MLH3-related conditions. ClinVar contains an entry for this variant (Variation ID: 658796). An algorithm developed to predict the effect of missense changes on protein structure and function outputs the following: PolyPhen-2: "Benign". The isoleucine amino acid residue is found in multiple mammalian species, which suggests that this missense change does not adversely affect protein function. In summary, the available evidence is currently insufficient to determine the role of this variant in disease. Therefore, it has been classified as a Variant of Uncertain Significance.

Ambry Genetics
Classification: Uncertain significance. Last evaluated: 2024-09-25. Review status: criteria provided, single submitter. Criteria: Ambry Variant Classification Scheme 2023. Collection method: clinical testing. Allele origin: germline.
Comment: The p.N776I variant (also known as c.2327A>T), located in coding exon 1 of the MLH3 gene, results from an A to T substitution at nucleotide position 2327. The asparagine at codon 776 is replaced by isoleucine, an amino acid with dissimilar properties. This amino acid position is well conserved in available vertebrate species. In addition, this alteration is predicted to be tolerated by in silico analysis. Since supporting evidence is limited at this time, the clinical significance of this alteration remains unclear.

Fulgent Genetics
Classification: Uncertain significance for Colorectal cancer; Endometrial carcinoma; Colorectal cancer, hereditary nonpolyposis, type 7. Last evaluated: 2024-01-07. Review status: criteria provided, single submitter. Criteria: ACMG Guidelines, 2015. Collection method: clinical testing. Allele origin: germline.

NM_001040108.2(MLH3):c.2327A>T (p.Asn776Ile)

Gene: MLH3 (mutL homolog 3; minus strand). Cytogenetic location: 14q24.3.
Variant type: single nucleotide variant.
Coding change: c.2327A>T on transcript NM_001040108.2 (MANE Select); coding-DNA position 2327, A replaced by T.
Protein change: p.Asn776Ile; replaces asparagine 776 with isoleucine.
Molecular consequence: missense variant.
Genome position (GRCh38, 1-based): chr14:75,047,329, T>A on the plus strand (A>T on the coding strand, the complement: MLH3 is on the minus strand). VCF-style: chr14-75047329-T-A. GRCh37 (hg19) VCF-style: chr14-75514032-T-A.
Other names: c.2327A>T, p.Asn776Ile (NM_014381.3); short protein forms N776I.
Identifiers: ClinVar variation 658796 (VCV000658796.14), dbSNP rs150742442, ClinGen allele CA7275720.